The following is an entry in ClinVar:

NM_007294.4(BRCA1):c.5549T>G (p.Leu1850Arg)

Gene: BRCA1 (BRCA1 DNA repair associated; minus strand). Cytogenetic location: 17q21.31.
Variant type: single nucleotide variant.
Coding change: c.5549T>G on transcript NM_007294.4 (MANE Select); coding-DNA position 5549, T replaced by G.
Protein change: p.Leu1850Arg; replaces leucine 1850 with arginine.
Molecular consequence: missense variant. On other transcripts: 3 prime UTR variant (1), non-coding transcript variant (1).
Genome position (GRCh38, 1-based): chr17:43,045,721, A>C on the plus strand (T>G on the coding strand, the complement: BRCA1 is on the minus strand). VCF-style: chr17-43045721-A-C. GRCh37 (hg19) VCF-style: chr17-41197738-A-C.
Other names: c.2123T>G, p.Leu708Arg (NM_001408420.1, NM_001408418.1, NM_001408419.1); c.2120T>G, p.Leu707Arg (NM_001408421.1, NM_001408422.1, NM_001408423.1 and 1 more transcripts); c.2117T>G, p.Leu706Arg (NM_001408425.1, NM_001408426.1, NM_001408427.1 and 4 more transcripts); c.2114T>G, p.Leu705Arg (NM_001408439.1, NM_001408440.1, NM_001408441.1 and 10 more transcripts); c.2111T>G, p.Leu704Arg (NM_001408445.1, NM_001408446.1, NM_001408447.1 and 2 more transcripts); c.2096T>G, p.Leu699Arg (NM_001408459.1, NM_001408460.1, NM_001408461.1 and 7 more transcripts); c.2093T>G, p.Leu698Arg (NM_001408468.1, NM_001408469.1, NM_001408470.1); c.*63T>G (NM_001408472.1, NM_001408473.1, NM_007299.4 and 14 more transcripts); and 74 more; short protein forms L1803R, L1850R, L1871R, L746R, L1681R, L1722R, L1737R, L1762R.
Identifiers: ClinVar variation 867654 (VCV000867654.3), dbSNP rs2050863562, ClinGen allele CA10590221.

Conditions:
Breast-ovarian cancer, familial, susceptibility to, 1 (BROVCA1). Also called: BRCA1 Hereditary Breast and Ovarian Cancer; OVARIAN CANCER, SUSCEPTIBILITY TO. Identifiers: Orphanet 145, MedGen C2676676, MONDO:0011450, OMIM 604370. Disease mechanism: loss of function.

Submission:

Brotman Baty Institute, University of Washington
No classification provided (evidence only). Condition: Breast-ovarian cancer, familial 1. Review status: no classification provided. Collection method: in vitro. Allele origin: not applicable. Functional consequence: functionally_normal.
ClinVar note: "not provided" was previously submitted as the classification for the variant. However, the classification appeared to be based only on an observation of functional data so it was converted to no classification on 2025-07-30.